The following continues an entry in ClinVar:

NM_001379610.1(SPINK1):c.194+2T>C

Gene: SPINK1. ClinVar aggregate classification (germline): Pathogenic/Likely pathogenic. Pathogenic (13); Likely pathogenic (3).

Submissions 14 to 24 of 24:

Centre for Mendelian Genomics, University Medical Centre Ljubljana
Classification: Pathogenic for Chronic pancreatitis. Last evaluated: 2017-01-01. Review status: criteria provided, single submitter. Criteria: ACMG Guidelines, 2015. Collection method: clinical testing. Allele origin: unknown. Affected: yes.

Center for Human Genetics, Inc
Classification: Pathogenic for Hereditary pancreatitis. Last evaluated: 2016-11-01. Review status: criteria provided, single submitter. Criteria: ACMG Guidelines, 2015. Collection method: clinical testing. Allele origin: germline. Affected: yes.

Juno Genomics, Hangzhou Juno Genomics, Inc
Classification: Likely pathogenic for Tropical pancreatitis; Hereditary pancreatitis. Review status: criteria provided, single submitter. Criteria: ACMG Guidelines, 2015. Collection method: clinical testing. Allele origin: germline. Affected: yes.
Comment: Null variant in a gene where loss of function (LOF) is a known mechanism of disease.;The prevalence of the variant in affected individuals is significantly increased compared to the prevalence in controls.;Patient's phenotype or family history is highly specific for a disease with a single genetic etiology.

PreventionGenetics, part of Exact Sciences
Classification: Pathogenic for SPINK1-related condition. Last evaluated: 2024-05-20. Review status: no assertion criteria provided. Collection method: clinical testing. Allele origin: germline. Not counted in ClinVar's aggregate classification.
Comment: The SPINK1 c.194+2T>C variant is predicted to disrupt the GT donor site and interfere with normal splicing. This variant has been reported as causative for SPINK1-related disorders, including chronic pancreatitis, and functional studies support its pathogenicity (Witt et al. 2000. PubMed ID: 10835640; Kereszturi et al. 2008. PubMed ID: 18978175; Sun et al. 2015. PubMed ID: 26632706). This variant is reported in 0.33% of alleles in individuals of East Asian descent in gnomAD. Variants that disrupt a consensus splice donor site in SPINK1 are expected to be pathogenic. This variant is interpreted as pathogenic.

Constantin Polychronakos Laboratory, The Research Institute of the McGill University Health Centre
Classification: Pathogenic for Diabetes mellitus. Review status: no assertion criteria provided. Collection method: research. Allele origin: unknown. Inheritance: Autosomal dominant inheritance. Affected: yes. Study: T1DGC. Not counted in ClinVar's aggregate classification.
Comment: PVS1 PS1 PP2

Diagnostic Laboratory, Department of Genetics, University Medical Center Groningen
Classification: Pathogenic. Review status: no assertion criteria provided. Collection method: clinical testing. Allele origin: germline. Affected: yes. Study: VKGL Data-share Consensus. Not counted in ClinVar's aggregate classification.

Dr. Peter K. Rogan Lab, Western University
No classification provided (evidence only). Condition: Familial cancer of breast. Review status: no classification provided. Collection method: in vitro. Allele origin: not applicable. Functional consequence: retained intron. Not counted in ClinVar's aggregate classification.

Dr. Peter K. Rogan Lab, Western University
No classification provided (evidence only). Condition: Colon adenocarcinoma. Review status: no classification provided. Collection method: in vitro. Allele origin: not applicable. Functional consequence: skipped exon. Not counted in ClinVar's aggregate classification.

Dr. Peter K. Rogan Lab, Western University
No classification provided (evidence only). Condition: Hepatocellular carcinoma. Review status: no classification provided. Collection method: in vitro. Allele origin: not applicable. Functional consequence: skipped exon. Not counted in ClinVar's aggregate classification.

GeneReviews
No classification provided. Condition: Hereditary pancreatitis. Review status: no classification provided. Collection method: literature only. Allele origin: germline. Affected: yes. Not counted in ClinVar's aggregate classification.
Comment: causes exon 3 skipping

Joint Genome Diagnostic Labs from Nijmegen and Maastricht, Radboudumc and MUMC+
Classification: Pathogenic. Review status: no assertion criteria provided. Collection method: clinical testing. Allele origin: germline. Affected: yes. Study: VKGL Data-share Consensus. Not counted in ClinVar's aggregate classification.

Literature cited by the submitters: PubMed 15980664 (cited by Labcorp Genetics (formerly Invitae), Labcorp and Women's Health and Genetics/Laboratory Corporation of America, LabCorp); PubMed 23017645 (cited by Labcorp Genetics (formerly Invitae), Labcorp and Women's Health and Genetics/Laboratory Corporation of America, LabCorp); PubMed 26632706 (cited by Labcorp Genetics (formerly Invitae), Labcorp); PubMed 18978175 (cited by 4 submitters); PubMed 26719302 (cited by Labcorp Genetics (formerly Invitae), Labcorp); PubMed 16849362 (cited by 3 submitters); PubMed 10835640 (cited by 3 submitters); PubMed 24909264 (cited by Ambry Genetics); PubMed 25927356 (cited by Ambry Genetics); PubMed 27578509 (cited by Ambry Genetics); PubMed 29521951 (cited by Ambry Genetics); PubMed 31401021 (cited by Ambry Genetics); PubMed 23741238 (cited by Women's Health and Genetics/Laboratory Corporation of America, LabCorp).